The following is an entry in ClinVar:

ClinVar aggregate classification (germline): Uncertain significance (1 of 4 stars; one submission).

Conditions:
Familial adenomatous polyposis 1 (FAP1). Also called: POLYPOSIS, ADENOMATOUS INTESTINAL; FAMILIAL ADENOMATOUS POLYPOSIS 1, ATTENUATED. Identifiers: MedGen C2713442, MONDO:0021056, OMIM 175100. Disease mechanism: loss of function.

Submission:

Labcorp Genetics (formerly Invitae), Labcorp
Classification: Uncertain significance for Familial adenomatous polyposis 1. Last evaluated: 2023-02-07. Review status: criteria provided, single submitter. Criteria: Invitae Variant Classification Sherloc (09022015). Collection method: clinical testing. Allele origin: germline.
Comment: In summary, the available evidence is currently insufficient to determine the role of this variant in disease. Therefore, it has been classified as a Variant of Uncertain Significance. Advanced modeling of protein sequence and biophysical properties (such as structural, functional, and spatial information, amino acid conservation, physicochemical variation, residue mobility, and thermodynamic stability) performed at Invitae indicates that this missense variant is not expected to disrupt APC protein function. This variant has not been reported in the literature in individuals affected with APC-related conditions. This variant is not present in population databases (gnomAD no frequency). This sequence change replaces threonine, which is neutral and polar, with proline, which is neutral and non-polar, at codon 1585 of the APC protein (p.Thr1585Pro).

NM_000038.6(APC):c.4753A>C (p.Thr1585Pro)

Gene: APC (APC regulator of Wnt signaling pathway; plus strand). Cytogenetic location: 5q22.2.
Variant type: single nucleotide variant.
Coding change: c.4753A>C on transcript NM_000038.6 (MANE Select); coding-DNA position 4753, A replaced by C.
Protein change: p.Thr1585Pro; replaces threonine 1585 with proline.
Molecular consequence: missense variant. On other transcripts: non-coding transcript variant (2).
Genome position (GRCh38, 1-based): chr5:112,840,347, A>C. VCF-style: chr5-112840347-A-C. GRCh37 (hg19) VCF-style: chr5-112176044-A-C.
Other names: c.4753A>C, p.Thr1585Pro (NM_001127510.3, NM_001354895.2, NM_001407450.1); c.4699A>C, p.Thr1567Pro (NM_001127511.3); c.4807A>C, p.Thr1603Pro (NM_001354896.2, NM_001407447.1, NM_001407448.1 and 1 more transcripts); c.4783A>C, p.Thr1595Pro (NM_001354897.2); c.4678A>C, p.Thr1560Pro (NM_001354898.2); c.4669A>C, p.Thr1557Pro (NM_001354899.2); c.4630A>C, p.Thr1544Pro (NM_001354900.2); c.4576A>C, p.Thr1526Pro (NM_001354901.2, NM_001407453.1); and 11 more; short protein forms T1302P, T1484P, T1494P, T1526P, T1578P, T1425P, T1575P, T1456P.
Identifiers: ClinVar variation 2835106 (VCV002835106.3), dbSNP rs2149922916, ClinGen allele CA16031753.
Genomic context (GRCh38, chr5:112,840,347, plus strand): 5'-GATGATTCAGATGATGATGATATTGAAATACTAGAAGAATGTATTATTTCTGCCATGCCA[A>C]CAAAGTCATCACGTAAAGCAAAAAAGCCAGCCCAGACTGCTTCAAAATTACCTCCACCTG-3'
Protein context (NP_000029.2, residues 1575-1595): LEECIISAMP[Thr1585Pro]KSSRKAKKPA